The following is an entry in ClinVar:

NM_022114.4(PRDM16):c.1484C>T (p.Pro495Leu)

Gene: PRDM16 (PR/SET domain 16; plus strand). Cytogenetic location: 1p36.32.
Variant type: single nucleotide variant.
Coding change: c.1484C>T on transcript NM_022114.4 (MANE Select); coding-DNA position 1484, C replaced by T.
Protein change: p.Pro495Leu; replaces proline 495 with leucine.
Molecular consequence: missense variant.
Genome position (GRCh38, 1-based): chr1:3,411,681, C>T. VCF-style: chr1-3411681-C-T. GRCh37 (hg19) VCF-style: chr1-3328245-C-T.
Other names: c.1484C>T, p.Pro495Leu (NM_199454.3); c.1484C>T (NM_022114.3); short protein forms P495L.
Identifiers: ClinVar variation 1045438 (VCV001045438.9), dbSNP rs779190595, ClinGen allele CA544205.

ClinVar aggregate classification (germline): Uncertain significance. Review status: criteria provided, multiple submitters, no conflicts (2 of 4 stars). 2 submissions from 2 submitters: Uncertain significance (2). Last evaluated 2025-12-28.

Conditions:
Left ventricular noncompaction 8 (LVNC8). Identifiers: Orphanet 154, Orphanet 54260, MedGen C3809288, MONDO:0014152, OMIM 615373.
PRDM16-related disorder. Also called: PRDM16-related condition.

Allele frequency attached by ClinVar (database versions not stated): ExAC 0.00001; gnomAD exomes 0.00001; TOPMed 0.00002; 1000 Genomes Project 30x 0.00016.
gnomAD v4.1: 37 of 1,611,190 alleles (0.0023%); highest among the groups gnomAD compares: Middle Eastern, 0.033%; no homozygotes.

Submissions (2):

Labcorp Genetics (formerly Invitae), Labcorp
Classification: Uncertain significance for Left ventricular noncompaction 8. Last evaluated: 2025-12-28. Review status: criteria provided, single submitter. Criteria: Invitae Variant Classification Sherloc (09022015). Collection method: clinical testing. Allele origin: germline.
Comment: This sequence change replaces proline, which is neutral and non-polar, with leucine, which is neutral and non-polar, at codon 495 of the PRDM16 protein (p.Pro495Leu). This variant is present in population databases (rs779190595, gnomAD 0.004%). This variant has not been reported in the literature in individuals affected with PRDM16-related conditions. ClinVar contains an entry for this variant (Variation ID: 1045438). An algorithm developed to predict the effect of missense changes on protein structure and function (PolyPhen-2) suggests that this variant is likely to be tolerated. In summary, the available evidence is currently insufficient to determine the role of this variant in disease. Therefore, it has been classified as a Variant of Uncertain Significance.

PreventionGenetics, part of Exact Sciences
Classification: Uncertain significance for PRDM16-related condition. Last evaluated: 2023-05-03. Review status: criteria provided, single submitter. Criteria: ACMG Guidelines, 2015. Collection method: clinical testing. Allele origin: germline.
Comment: The PRDM16 c.1484C>T variant is predicted to result in the amino acid substitution p.Pro495Leu. To our knowledge, this variant has not been reported in the literature. This variant is reported in 0.0027% of alleles in individuals of European (Non-Finnish) descent in gnomAD. At this time, the clinical significance of this variant is uncertain due to the absence of conclusive functional and genetic evidence.